The following is an entry in ClinVar:

ClinVar aggregate classification (germline): Uncertain significance. Review status: criteria provided, multiple submitters, no conflicts (2 of 4 stars). 4 submissions from 4 submitters: Uncertain significance (4). Last evaluated 2025-12-29.

Conditions:
CFB-related disorder. Also called: CFB-related condition; CFB-related disorders.
Inborn genetic diseases. Identifiers: MedGen C0950123, MeSH D030342.

Allele frequency attached by ClinVar (database versions not stated): ExAC 0.00006; gnomAD 0.00007; TOPMed 0.00008; gnomAD exomes 0.00009; ESP Exome Variant Server 0.00012.
gnomAD v4.1: 337 of 1,612,866 alleles (0.021%); highest among the groups gnomAD compares: Non-Finnish European, 0.027%; no homozygotes.

Submissions (4):

Labcorp Genetics (formerly Invitae), Labcorp
Classification: Uncertain significance. Last evaluated: 2025-12-29. Review status: criteria provided, single submitter. Criteria: Invitae Variant Classification Sherloc (09022015). Collection method: clinical testing. Allele origin: germline.
Comment: This sequence change replaces valine, which is neutral and non-polar, with isoleucine, which is neutral and non-polar, at codon 577 of the CFB protein (p.Val577Ile). This variant is present in population databases (rs199518433, gnomAD 0.01%). This variant has not been reported in the literature in individuals affected with CFB-related conditions. ClinVar contains an entry for this variant (Variation ID: 1462667). Invitae Evidence Modeling of protein sequence and biophysical properties (such as structural, functional, and spatial information, amino acid conservation, physicochemical variation, residue mobility, and thermodynamic stability) indicates that this missense variant is not expected to disrupt CFB protein function with a negative predictive value of 80%. In summary, the available evidence is currently insufficient to determine the role of this variant in disease. Therefore, it has been classified as a Variant of Uncertain Significance.

PreventionGenetics, part of Exact Sciences
Classification: Uncertain significance for CFB-related condition. Last evaluated: 2024-11-21. Review status: criteria provided, single submitter. Criteria: ACMG Guidelines, 2015. Collection method: clinical testing. Allele origin: germline.
Comment: The CFB c.1729G>A variant is predicted to result in the amino acid substitution p.Val577Ile. To our knowledge, this variant has not been reported in the literature. This variant is reported in 0.015% of alleles in individuals of European (Non-Finnish) descent in gnomAD. At this time, the clinical significance of this variant is uncertain due to the absence of conclusive functional and genetic evidence.

Blueprint Genetics
Classification: Uncertain significance. Last evaluated: 2024-10-02. Review status: criteria provided, single submitter. Criteria: ACMG Guidelines, 2015. Collection method: clinical testing. Allele origin: germline.

Ambry Genetics
Classification: Uncertain significance for Inborn genetic diseases. Last evaluated: 2024-08-01. Review status: criteria provided, single submitter. Criteria: Ambry Variant Classification Scheme 2023. Collection method: clinical testing. Allele origin: germline.

NM_001710.6(CFB):c.1729G>A (p.Val577Ile)

Gene: CFB (complement factor B; plus strand). Cytogenetic location: 6p21.33.
Variant type: single nucleotide variant.
Coding change: c.1729G>A on transcript NM_001710.6 (MANE Select); coding-DNA position 1729, G replaced by A.
Protein change: p.Val577Ile; replaces valine 577 with isoleucine.
Molecular consequence: missense variant.
Genome position (GRCh38, 1-based): chr6:31,950,723, G>A. VCF-style: chr6-31950723-G-A. GRCh37 (hg19) VCF-style: chr6-31918500-G-A.
Other names: c.1729G>A (NM_001710.5); short protein forms V577I.
Identifiers: ClinVar variation 1462667 (VCV001462667.10), dbSNP rs199518433, ClinGen allele CA3728436.